The following is an entry in ClinVar:

NM_032776.3(JMJD1C):c.7402G>A (p.Val2468Ile)

Gene: JMJD1C (jumonji domain containing 1C; minus strand). Cytogenetic location: 10q21.3.
Variant type: single nucleotide variant.
Coding change: c.7402G>A on transcript NM_032776.3 (MANE Select); coding-DNA position 7402, G replaced by A.
Protein change: p.Val2468Ile; replaces valine 2468 with isoleucine.
Molecular consequence: missense variant. On other transcripts: non-coding transcript variant (1).
Genome position (GRCh38, 1-based): chr10:63,168,566, C>T on the plus strand (G>A on the coding strand, the complement: JMJD1C is on the minus strand). VCF-style: chr10-63168566-C-T. GRCh37 (hg19) VCF-style: chr10-64928326-C-T.
Other names: c.6856G>A, p.Val2286Ile (NM_001282948.2, NM_001318154.2); c.6538G>A, p.Val2180Ile (NM_001318153.2); c.7288G>A, p.Val2430Ile (NM_001322252.2); c.6745G>A, p.Val2249Ile (NM_001322254.2, NM_001322258.2); short protein forms V2249I, V2286I, V2430I, V2468I, V2180I.
Identifiers: ClinVar variation 948948 (VCV000948948.9), dbSNP rs746631132, ClinGen allele CA5517648.
Genomic context (GRCh38, chr10:63,168,566, plus strand): 5'-CAAGATGTTCTGGAGACACAAAATCTTCAGTTACCTGAATACAGCTGTGAAAATTCTGAA[C>T]CTATCCCCAAAAGAAAAACCGTGAAATACAAGTTTTAGGAGGTGGAGCAAAGAAAAGCCA-3'
Protein context (NP_116165.1, residues 2458-2478): IVLPAGALHQ[Val2468Ile]QNFHSCIQVT

ClinVar aggregate classification (germline): Uncertain significance (1 of 4 stars; one submission).

Conditions:
Early Myoclonic Encephalopathy. Identifiers: MedGen C0270855.

Allele frequency attached by ClinVar (database versions not stated): gnomAD exomes below 0.00001; TOPMed 0.00001; gnomAD 0.00002 and 0.00003; ExAC 0.00001.
gnomAD v4.1: 3 of 1,571,470 alleles (0.00019%); highest among the groups gnomAD compares: African/African-American, 0.0042%; no homozygotes.

Submission:

Labcorp Genetics (formerly Invitae), Labcorp
Classification: Uncertain significance for Early Myoclonic Encephalopathy. Last evaluated: 2025-02-10. Review status: criteria provided, single submitter. Criteria: Invitae Variant Classification Sherloc (09022015). Collection method: clinical testing. Allele origin: germline.
Comment: This sequence change replaces valine, which is neutral and non-polar, with isoleucine, which is neutral and non-polar, at codon 2468 of the JMJD1C protein (p.Val2468Ile). This variant is present in population databases (rs746631132, gnomAD 0.009%). This variant has not been reported in the literature in individuals affected with JMJD1C-related conditions. ClinVar contains an entry for this variant (Variation ID: 948948). An algorithm developed to predict the effect of missense changes on protein structure and function (PolyPhen-2) suggests that this variant is likely to be disruptive. In summary, the available evidence is currently insufficient to determine the role of this variant in disease. Therefore, it has been classified as a Variant of Uncertain Significance.